The following is an entry in ClinVar:

ClinVar aggregate classification (germline): Uncertain significance (1 of 4 stars; one submission).

Allele frequency attached by ClinVar (database versions not stated): gnomAD exomes below 0.00001.
gnomAD v4.1: 1 of 1,201,568 alleles (0.000083%); highest among the groups gnomAD compares: Non-Finnish European, 0.00011%; no homozygotes.

Submission:

GeneDx
Classification: Uncertain significance. Last evaluated: 2024-03-04. Review status: criteria provided, single submitter. Criteria: GeneDx Variant Classification Process June 2021. Collection method: clinical testing. Allele origin: germline. Affected: yes.
Comment: Not observed at significant frequency in large population cohorts (gnomAD); In silico analysis supports that this missense variant does not alter protein structure/function; Has not been previously published as pathogenic or benign to our knowledge

NM_001353921.2(ARHGEF9):c.389A>G (p.Lys130Arg)

Gene: ARHGEF9 (Cdc42 guanine nucleotide exchange factor 9; minus strand). Cytogenetic location: Xq11.1.
Variant type: single nucleotide variant.
Coding change: c.389A>G on transcript NM_001353921.2 (MANE Select); coding-DNA position 389, A replaced by G.
Protein change: p.Lys130Arg; replaces lysine 130 with arginine.
Molecular consequence: missense variant. On other transcripts: 5 prime UTR variant (1).
Genome position (GRCh38, 1-based): chrX:63,706,271, T>C on the plus strand (A>G on the coding strand, the complement: ARHGEF9 is on the minus strand). VCF-style: chrX-63706271-T-C. GRCh37 (hg19) VCF-style: chrX-62926151-T-C.
Other names: c.209A>G, p.Lys70Arg (NM_001173479.2); c.62A>G, p.Lys21Arg (NM_001173480.2, NM_001369042.1); c.305A>G, p.Lys102Arg (NM_001330495.2, NM_001353927.2, NM_001369033.1 and 8 more transcripts); c.389A>G, p.Lys130Arg (NM_001353922.2); c.407A>G, p.Lys136Arg (NM_001353923.1); c.188A>G, p.Lys63Arg (NM_001353924.2, NM_001353926.2, NM_001369039.1 and 1 more transcripts); c.368A>G, p.Lys123Arg (NM_001353928.2, NM_001369030.1, NM_001369031.1 and 2 more transcripts); c.-315A>G (NM_001369045.1); short protein forms K123R, K136R, K70R, K102R, K130R, K21R, K63R.
Identifiers: ClinVar variation 389697 (VCV000389697.3), dbSNP rs1057523510, ClinGen allele CA16608544.